The following is an entry in ClinVar:

NC_000006.11:g.(?_117996834)_(118028178_?)del

Gene: NUS1 (NUS1 dehydrodolichyl diphosphate synthase subunit; plus strand). Cytogenetic location: 6q22.1.
Variant type: Deletion.
Identifiers: ClinVar variation 3246047 (VCV003246047.1).

ClinVar aggregate classification (germline): Pathogenic (1 of 4 stars; one submission).

Conditions:
Congenital disorder of glycosylation, type Iaa. Also called: Congenital disorder of glycosylation, type 1aa. Identifiers: MedGen C4310727, MONDO:0014904, OMIM 617082.

Submission:

Labcorp Genetics (formerly Invitae), Labcorp
Classification: Pathogenic for Congenital disorder of glycosylation, type Iaa. Last evaluated: 2023-09-25. Review status: criteria provided, single submitter. Criteria: Invitae Variant Classification Sherloc (09022015). Collection method: clinical testing. Allele origin: unknown.
Comment: A gross deletion of the genomic region encompassing the full coding sequence of the NUS1 gene has been identified. Loss-of-function variants in NUS1 are known to be pathogenic (PMID: 29100083). The boundaries of this event are unknown as they extend beyond the assayed region for this gene and therefore may encompass additional genes. Isolated whole-gene deletions of NUS1 have not been reported in the literature. However, larger copy number events that include this gene have been reported (PMID: 31273557). For these reasons, this variant has been classified as Pathogenic.

Literature cited by the submitters: PubMed 29100083; PubMed 31273557.